The following is an entry in ClinVar:

ClinVar aggregate classification (germline): Likely benign (1 of 4 stars; one submission).

gnomAD v4.1: 4,428 of 1,599,416 alleles (0.28%); highest among the groups gnomAD compares: African/African-American, 0.4%; 1 homozygote.

Submission:

CeGaT Center for Human Genetics Tuebingen
Classification: Likely benign. Last evaluated: 2025-09-01. Review status: criteria provided, single submitter. Criteria: CeGaT Center For Human Genetics Tuebingen Variant Classification Criteria Version 2. Collection method: clinical testing. Allele origin: germline. Affected: yes. Observed: 3 variant alleles.
Comment: MUC5B: BP4, BS1

NM_002458.3(MUC5B):c.10346A>C (p.Asn3449Thr)

Genes: MUC5B (mucin 5B, oligomeric mucus/gel-forming; plus strand), MUC5B-AS1 (MUC5B antisense RNA 1; minus strand). Cytogenetic location: 11p15.5.
Variant type: single nucleotide variant.
Coding change: c.10346A>C on transcript NM_002458.3 (MANE Select); coding-DNA position 10346, A replaced by C.
Protein change: p.Asn3449Thr; replaces asparagine 3449 with threonine.
Molecular consequence: missense variant.
Genome position (GRCh38, 1-based): chr11:1,247,226, A>C. VCF-style: chr11-1247226-A-C. GRCh37 (hg19) VCF-style: chr11-1268456-A-C.
Other names: short protein forms N3449T.
Identifiers: ClinVar variation 3388698 (VCV003388698.14).